The following is an entry in ClinVar:

ClinVar aggregate classification (germline): Conflicting classifications of pathogenicity. Review status: criteria provided, conflicting classifications (1 of 4 stars). 12 submissions from 12 submitters: Pathogenic (2); Likely pathogenic (7); Uncertain significance (3). Last evaluated 2026-07-01.

Conditions:
RARS2-related disorder. Also called: RARS2-related condition.
Pontocerebellar hypoplasia type 6 (PCH6). Identifiers: Orphanet 166073, MedGen C1969084, MONDO:0012683, OMIM 611523.

Allele frequency attached by ClinVar (database versions not stated): 1000 Genomes Project 30x 0.00016; ExAC 0.00016; 1000 Genomes Project 0.00020; TOPMed 0.00024; gnomAD exomes 0.00028; ESP Exome Variant Server 0.00039; gnomAD 0.00042 and 0.00044.

Submissions (12):

CeGaT Center for Human Genetics Tuebingen
Classification: Likely pathogenic. Last evaluated: 2026-07-01. Review status: criteria provided, single submitter. Criteria: CeGaT Center For Human Genetics Tuebingen Variant Classification Criteria Version 2. Collection method: clinical testing. Allele origin: germline. Affected: yes. Observed: 3 variant alleles.
Comment: RARS2: PM3:Strong, PM2

Institute of Human Genetics, University of Leipzig Medical Center
Classification: Likely pathogenic for Pontocerebellar hypoplasia type 6. Last evaluated: 2026-04-15. Review status: criteria provided, single submitter. Criteria: ACMG Guidelines, 2015. Collection method: clinical testing. Allele origin: unknown. Inheritance: Autosomal recessive inheritance. Affected: yes.
Comment: Criteria applied: PM2,PM3,PM5,PP1

Labcorp Genetics (formerly Invitae), Labcorp
Classification: Pathogenic. Last evaluated: 2025-12-22. Review status: criteria provided, single submitter. Criteria: Invitae Variant Classification Sherloc (09022015). Collection method: clinical testing. Allele origin: germline.
Comment: This sequence change replaces arginine, which is basic and polar, with histidine, which is basic and polar, at codon 258 of the RARS2 protein (p.Arg258His). This variant is present in population databases (rs145297855, gnomAD 0.2%). This missense change has been observed in individual(s) with clinical features of RARS2-related conditions (PMID: 24047924, 33209735). In at least one individual the data is consistent with being in trans (on the opposite chromosome) from a pathogenic variant. It has also been observed to segregate with disease in related individuals. ClinVar contains an entry for this variant (Variation ID: 215080). Invitae Evidence Modeling of protein sequence and biophysical properties (such as structural, functional, and spatial information, amino acid conservation, physicochemical variation, residue mobility, and thermodynamic stability) indicates that this missense variant is expected to disrupt RARS2 protein function with a positive predictive value of 95%. For these reasons, this variant has been classified as Pathogenic.

Dasa
Classification: Likely pathogenic. Last evaluated: 2025-09-01. Review status: criteria provided, single submitter. Criteria: DASA Assertion Criteria. Collection method: clinical testing. Allele origin: germline.
Comment: NM_020320.5(RARS2):c.773G>A (p.Arg258His) is a missense variant that results in the substitution of arginine with histidine. The affected residue or protein region has prior evidence supporting clinical relevance. Segregation data support an association with disease in the reported family/families (PMID: 33209735; PMID: 24047924). This variant has been recurrently observed in individuals with RARS2-related disorders (PMID: 33209735; PMID: 24047924). Also, this variant is rare in population databases. Computational evidence supports a deleterious effect. Based on the currently available evidence, this variant is classified as likely pathogenic.

Natera, Inc.
Classification: Likely pathogenic for Pontocerebellar hypoplasia, type 6. Last evaluated: 2025-08-06. Review status: criteria provided, single submitter. Criteria: Natera Variant Classification Schema (03/2026). Collection method: clinical testing. Allele origin: germline.
Comment: The c.773G>A variant in RARS2 is a missense variant predicted to cause substitution of arginine to histidine at amino acid 258. The frequency of this variant in the general population is greater than expected for disorder. This variant has been observed in one or more individuals affected with the associated recessive disease, as either homozygous or compound heterozygous with a second variant (PMID: 24047924, 33209735, 34600502). This variant has been observed to segregate in affected family members (PMID: 24047924). Computational prediction algorithms indicate this variant is likely to affect gene or protein function. Given the available evidence, this variant is classified as Likely Pathogenic.

GeneDx
Classification: Likely pathogenic. Last evaluated: 2025-06-26. Review status: criteria provided, single submitter. Criteria: GeneDx Variant Classification Process June 2021. Collection method: clinical testing. Allele origin: germline. Affected: yes.
Comment: In silico analysis supports that this missense variant has a deleterious effect on protein structure/function; This variant is associated with the following publications: (PMID: 27061686, 29431110, 34717047, 33209735, 24047924, 34600502)

Blueprint Genetics
Classification: Pathogenic for RARS2-related disorders. Last evaluated: 2024-11-17. Review status: criteria provided, single submitter. Criteria: ACMG Guidelines, 2015. Collection method: clinical testing. Allele origin: germline. Affected: yes. Observed: 5 variant alleles.

Baylor Genetics
Classification: Likely pathogenic for Pontocerebellar hypoplasia type 6. Last evaluated: 2024-03-30. Review status: criteria provided, single submitter. Criteria: ACMG Guidelines, 2015. Collection method: clinical testing. Allele origin: unknown.

Greenwood Genetic Center Diagnostic Laboratories, Greenwood Genetic Center
Classification: Likely pathogenic for Pontocerebellar hypoplasia type 6. Last evaluated: 2023-11-14. Review status: criteria provided, single submitter. Criteria: ACMG Guidelines, 2015. Collection method: clinical testing. Allele origin: germline. Affected: yes.
Comment: PM3_Strong, PM1

Department of Pathology and Laboratory Medicine, Sinai Health System
Classification: Uncertain significance for Pontocerebellar hypoplasia type 6. Last evaluated: 2023-08-17. Review status: criteria provided, single submitter. Criteria: ACMG Guidelines, 2015. Collection method: research. Allele origin: germline.

Fulgent Genetics
Classification: Uncertain significance for Pontocerebellar hypoplasia type 6. Last evaluated: 2018-10-31. Review status: criteria provided, single submitter. Criteria: ACMG Guidelines, 2015. Collection method: clinical testing. Allele origin: unknown.

Eurofins Ntd Llc (ga)
Classification: Uncertain significance. Last evaluated: 2017-06-30. Review status: criteria provided, single submitter. Criteria: EGL Classification Definitions 2015. Collection method: clinical testing. Allele origin: germline. Observed: 1 variant allele, 1 heterozygote.

Literature cited by the submitters: PubMed 24047924 (cited by 3 submitters); PubMed 33209735 (cited by 3 submitters); PubMed 34600502 (cited by Natera, Inc.).

NM_020320.5(RARS2):c.773G>A (p.Arg258His)

Gene: RARS2 (arginyl-tRNA synthetase 2, mitochondrial; minus strand). Cytogenetic location: 6q15.
Variant type: single nucleotide variant.
Coding change: c.773G>A on transcript NM_020320.5 (MANE Select); coding-DNA position 773, G replaced by A.
Protein change: p.Arg258His; replaces arginine 258 with histidine.
Molecular consequence: missense variant. On other transcripts: non-coding transcript variant (23).
Genome position (GRCh38, 1-based): chr6:87,529,647, C>T on the plus strand (G>A on the coding strand, the complement: RARS2 is on the minus strand). VCF-style: chr6-87529647-C-T. GRCh37 (hg19) VCF-style: chr6-88239365-C-T.
Other names: c.248G>A, p.Arg83His (NM_001318785.2, NM_001350506.2, NM_001350507.2 and 4 more transcripts); c.773G>A, p.Arg258His (NM_001350505.2); c.773G>A (NM_020320.4); short protein forms R258H, R83H.
Identifiers: ClinVar variation 215080 (VCV000215080.57), dbSNP rs145297855, ClinGen allele CA323244.